The following is an entry in ClinVar:

ClinVar aggregate classification (germline): Uncertain significance (1 of 4 stars; one submission).

Conditions:
T-B+ severe combined immunodeficiency due to JAK3 deficiency. Also called: SCID, T CELL-NEGATIVE, B CELL-POSITIVE, NK CELL-NEGATIVE; SCID, autosomal recessive, T-negative/B-positive type. Identifiers: Orphanet 35078, MedGen C1833275, MONDO:0010938, OMIM 600802.

Allele frequency attached by ClinVar (database versions not stated): gnomAD exomes below 0.00001; TOPMed below 0.00001; gnomAD 0.00001.
gnomAD v4.1: 2 of 1,614,006 alleles (0.00012%); highest among the groups gnomAD compares: Admixed American, 0.0017%; no homozygotes.

Submission:

Labcorp Genetics (formerly Invitae), Labcorp
Classification: Uncertain significance for T-B+ severe combined immunodeficiency due to JAK3 deficiency. Last evaluated: 2024-01-29. Review status: criteria provided, single submitter. Criteria: Invitae Variant Classification Sherloc (09022015). Collection method: clinical testing. Allele origin: germline.
Comment: This sequence change replaces histidine, which is basic and polar, with tyrosine, which is neutral and polar, at codon 1113 of the JAK3 protein (p.His1113Tyr). This variant is present in population databases (no rsID available, gnomAD 0.003%). This variant has not been reported in the literature in individuals affected with JAK3-related conditions. ClinVar contains an entry for this variant (Variation ID: 1352749). Advanced modeling of protein sequence and biophysical properties (such as structural, functional, and spatial information, amino acid conservation, physicochemical variation, residue mobility, and thermodynamic stability) performed at Invitae indicates that this missense variant is not expected to disrupt JAK3 protein function with a negative predictive value of 95%. In summary, the available evidence is currently insufficient to determine the role of this variant in disease. Therefore, it has been classified as a Variant of Uncertain Significance.

NM_000215.4(JAK3):c.3337C>T (p.His1113Tyr)

Gene: JAK3 (Janus kinase 3; minus strand). Cytogenetic location: 19p13.11.
Variant type: single nucleotide variant.
Coding change: c.3337C>T on transcript NM_000215.4 (MANE Select); coding-DNA position 3337, C replaced by T.
Protein change: p.His1113Tyr; replaces histidine 1113 with tyrosine.
Molecular consequence: missense variant.
Genome position (GRCh38, 1-based): chr19:17,826,781, G>A on the plus strand (C>T on the coding strand, the complement: JAK3 is on the minus strand). VCF-style: chr19-17826781-G-A. GRCh37 (hg19) VCF-style: chr19-17937590-G-A.
Other names: short protein forms H1113Y.
Identifiers: ClinVar variation 1352749 (VCV001352749.6), dbSNP rs1269489339, ClinGen allele CA404762973.
Genomic context (GRCh38, chr19:17,826,781, plus strand): 5'-TCCAGAGGTCTGCGGGCAGGAGCTATGAAAAGGACAGGGAGTGGTGTTTGCCCTCTGGGT[G>A]AGCAGTGAAGGCATGAGTCTCACACCCCCGGCTTCCGCTCCACAGCATGTCCAGCTGGGG-3'
Protein context (NP_000206.2, residues 1103-1123): RGCETHAFTA[His1113Tyr]PEGKHHSLSF